The following is an entry in ClinVar:

NM_006767.4(LZTR1):c.1616-3C>A

Gene: LZTR1 (leucine zipper like post translational regulator 1; plus strand). Cytogenetic location: 22q11.21.
Variant type: single nucleotide variant.
Coding change: c.1616-3C>A on transcript NM_006767.4 (MANE Select); 3 bases into the intron before coding-DNA position 1616, C replaced by A.
Molecular consequence: intron variant.
Genome position (GRCh38, 1-based): chr22:20,994,555, C>A. VCF-style: chr22-20994555-C-A. GRCh37 (hg19) VCF-style: chr22-21348844-C-A.
Identifiers: ClinVar variation 3992694 (VCV003992694.1).

ClinVar aggregate classification (germline): Uncertain significance (1 of 4 stars; one submission).

Conditions:
Cardiovascular phenotype. Identifiers: MedGen CN230736.
Hereditary cancer-predisposing syndrome. Also called: Tumor predisposition; Hereditary neoplastic syndrome; Neoplastic Syndromes, Hereditary; Hereditary Cancer Syndrome. Identifiers: Orphanet 140162, MedGen C0027672, MeSH D009386, MONDO:0015356.

gnomAD v4.1: 1 of 1,608,094 alleles (0.000062%); highest among the groups gnomAD compares: Non-Finnish European, 0.000085%; no homozygotes.

Submission:

Ambry Genetics
Classification: Uncertain significance for Cardiovascular phenotype; Hereditary cancer-predisposing syndrome. Last evaluated: 2025-05-21. Review status: criteria provided, single submitter. Criteria: Ambry Variant Classification Scheme 2023. Collection method: clinical testing. Allele origin: germline.
Comment: The c.1616-3C>A intronic variant results from a C to A substitution 3 nucleotides upstream from coding exon 15 in the LZTR1 gene. This nucleotide position is highly conserved in available vertebrate species. In silico splice site analysis predicts that this alteration may weaken the native splice acceptor site. Based on the available evidence, the clinical significance of this variant remains unclear.